The following is an entry in ClinVar:

NM_033380.3(COL4A5):c.2827A>G (p.Lys943Glu)

Gene: COL4A5 (collagen type IV alpha 5 chain; plus strand). Cytogenetic location: Xq22.3.
Variant type: single nucleotide variant.
Coding change: c.2827A>G on transcript NM_033380.3 (MANE Select); coding-DNA position 2827, A replaced by G.
Protein change: p.Lys943Glu; replaces lysine 943 with glutamic acid.
Molecular consequence: missense variant.
Genome position (GRCh38, 1-based): chrX:108,622,735, A>G. VCF-style: chrX-108622735-A-G. GRCh37 (hg19) VCF-style: chrX-107865965-A-G.
Other names: c.2827A>G, p.Lys943Glu (NM_000495.5); short protein forms K943E.
Identifiers: ClinVar variation 3684019 (VCV003684019.2).

ClinVar aggregate classification (germline): Uncertain significance (1 of 4 stars; one submission).

Submission:

Labcorp Genetics (formerly Invitae), Labcorp
Classification: Uncertain significance. Last evaluated: 2024-04-24. Review status: criteria provided, single submitter. Criteria: Invitae Variant Classification Sherloc (09022015). Collection method: clinical testing. Allele origin: germline.
Comment: This sequence change replaces lysine, which is basic and polar, with glutamic acid, which is acidic and polar, at codon 943 of the COL4A5 protein (p.Lys943Glu). This variant is not present in population databases (gnomAD no frequency). This variant has not been reported in the literature in individuals affected with COL4A5-related conditions. Advanced modeling of protein sequence and biophysical properties (such as structural, functional, and spatial information, amino acid conservation, physicochemical variation, residue mobility, and thermodynamic stability) performed at Invitae indicates that this missense variant is not expected to disrupt COL4A5 protein function with a negative predictive value of 95%. In summary, the available evidence is currently insufficient to determine the role of this variant in disease. Therefore, it has been classified as a Variant of Uncertain Significance.